The following is an entry in ClinVar:

NM_022124.6(CDH23):c.4249del (p.Arg1417fs)

Gene: CDH23 (cadherin related 23; plus strand). Cytogenetic location: 10q22.1.
Variant type: Deletion.
Coding change: c.4249del on transcript NM_022124.6 (MANE Select); coding-DNA position 4249, one base deleted (C; older notation c.4249delC).
Protein change: p.Arg1417fs; shifts the reading frame from arginine 1417.
Molecular consequence: frameshift variant.
Genome position (GRCh38, 1-based): chr10:71,738,537, C deleted; the last of 5 consecutive C bases (chr10:71,738,533-71,738,537); deleting any one gives the same sequence. VCF-style (leftmost placement, unchanged base first): chr10-71738532-GC-G. GRCh37 (hg19) VCF-style: chr10-73498289-GC-G.
Other names: short protein forms R1417fs.
Identifiers: ClinVar variation 2971066 (VCV002971066.3), dbSNP rs2494209594, ClinGen allele CA2609568445.

ClinVar aggregate classification (germline): Pathogenic (1 of 4 stars; one submission).

Submission:

Labcorp Genetics (formerly Invitae), Labcorp
Classification: Pathogenic. Last evaluated: 2023-05-28. Review status: criteria provided, single submitter. Criteria: Invitae Variant Classification Sherloc (09022015). Collection method: clinical testing. Allele origin: germline.
Comment: For these reasons, this variant has been classified as Pathogenic. This variant has not been reported in the literature in individuals affected with CDH23-related conditions. This variant is not present in population databases (gnomAD no frequency). This sequence change creates a premature translational stop signal (p.Arg1417Glyfs*99) in the CDH23 gene. It is expected to result in an absent or disrupted protein product. Loss-of-function variants in CDH23 are known to be pathogenic (PMID: 11138009, 21940737).

Literature cited by the submitters: PubMed 11138009; PubMed 21940737.